The following is an entry in ClinVar:

NM_002653.5(PITX1):c.392dup (p.Arg132fs)

Gene: PITX1 (paired like homeodomain 1; minus strand). Cytogenetic location: 5q31.1.
Variant type: Duplication.
Coding change: c.392dup on transcript NM_002653.5 (MANE Select); coding-DNA position 392, one base duplicated (C; older notation c.392dupC).
Protein change: p.Arg132fs; shifts the reading frame from arginine 132.
Molecular consequence: frameshift variant.
Genome position (GRCh38, 1-based): chr5:135,031,286, G duplicated on the plus strand (C on the coding strand, the reverse complement: PITX1 is on the minus strand); the first of 2 consecutive G bases (chr5:135,031,286-135,031,287); duplicating either gives the same sequence. VCF-style (leftmost placement, unchanged base first): chr5-135031285-C-CG. GRCh37 (hg19) VCF-style: chr5-134366975-C-CG.
Other names: short protein forms R132fs.
Identifiers: ClinVar variation 4819354 (VCV004819354.1).
Genomic context (GRCh38, chr5:135,031,285, plus strand): 5'-GGCCCGGGAGCCCTCTGCGCGGGTGCCCTTAGGCGCGCACCCCTTGCTCACCCGCACGCG[C>CG]GGCTCGGTGAGGTTGGTCCACACGGCGATCTCCTCCCTCATGCTCATGTCGGGGTAGCGG-3'

ClinVar aggregate classification (germline): Likely pathogenic (1 of 4 stars; one submission).

Conditions:
Clubfoot. Also called: Club foot; Talipes equinovarus; CLUBFOOT, CONGENITAL, WITH OR WITHOUT DEFICIENCY OF LONG BONES AND/OR MIRROR-IMAGE POLYDACTYLY; Clubfeet; congenital talipes equinovarus. Identifiers: Orphanet 199315, MedGen C0009081, MONDO:0007342, OMIM 119800, HP:0001762.

Submission:

Clinical Biomedical Laboratory, Shriners Hospital For Children - Canada
Classification: Likely pathogenic for Clubfoot. Review status: criteria provided, single submitter. Criteria: ACMG Guidelines, 2015. Collection method: clinical testing. Allele origin: germline. Affected: yes.
Comment: This variant is predicted to substitute an arginine residue by an alanine residue and introduce a stop codon 15 amino acids downstream. This is expected to lead to a truncated protein rather than nonsense-mediated decay, as the variant is located within 50 nucleotides of the last exon-exon boder of the transcript. Loss of function variants in PITX1 are associated with ‘Clubfoot, congenital, with or without deficiency of long bones and/or mirror-image polydactyly’, which has significant overlap with the reported phenotype of the proband. This variant is absent from the Genome Aggregation Database (v2.1.1.), indicating it is very rare. Based on the ACMG variant interpretation guidelines (criteria: PVS1, PM2), the available evidence supports classification of this variant as likely pathogenic.